The following is an entry in ClinVar:

ClinVar aggregate classification (germline): Pathogenic (1 of 4 stars; one submission).

Submission:

Labcorp Genetics (formerly Invitae), Labcorp
Classification: Pathogenic. Last evaluated: 2022-10-10. Review status: criteria provided, single submitter. Criteria: Invitae Variant Classification Sherloc (09022015). Collection method: clinical testing. Allele origin: germline.
Comment: This variant results in a copy number gain of the genomic region encompassing exon(s) 7 of the CNGB3 gene. While the exact position of this variant cannot be determined from the data, sub-genic copy number gains are generally in tandem (PMID: 25640679). This variant is predicted to be in-frame, and likely preserves the integrity of the reading frame. A similar copy number variant has been observed in individual(s) with achromatopsia (PMID: 28795510). In at least one individual the data is consistent with being in trans (on the opposite chromosome) from a pathogenic variant. For these reasons, this variant has been classified as Pathogenic.

Literature cited by the submitters: PubMed 25640679; PubMed 28795510.

NC_000008.11:g.(?_86654002)_(86654072_?)dup

Gene: CNGB3 (cyclic nucleotide gated channel subunit beta 3; minus strand). Cytogenetic location: 8q21.3.
Variant type: Duplication.
Identifiers: ClinVar variation 831482 (VCV000831482.7).